The following is an entry in ClinVar:

ClinVar aggregate classification (germline): Pathogenic (1 of 4 stars; one submission).

Submission:

Labcorp Genetics (formerly Invitae), Labcorp
Classification: Pathogenic. Last evaluated: 2021-12-03. Review status: criteria provided, single submitter. Criteria: Invitae Variant Classification Sherloc (09022015). Collection method: clinical testing. Allele origin: germline.
Comment: This sequence change creates a premature translational stop signal (p.Leu8*) in the PRPF31 gene. It is expected to result in an absent or disrupted protein product. Loss-of-function variants in PRPF31 are known to be pathogenic (PMID: 18317597, 23950152). This variant is not present in population databases (gnomAD no frequency). This variant has not been reported in the literature in individuals affected with PRPF31-related conditions. For these reasons, this variant has been classified as Pathogenic.

Literature cited by the submitters: PubMed 18317597; PubMed 23950152.

NM_015629.4(PRPF31):c.23T>G (p.Leu8Ter)

Gene: PRPF31 (pre-mRNA processing factor 31; plus strand). Cytogenetic location: 19q13.42.
Variant type: single nucleotide variant.
Coding change: c.23T>G on transcript NM_015629.4 (MANE Select); coding-DNA position 23, T replaced by G.
Protein change: p.Leu8Ter; replaces leucine 8 with a stop codon.
Molecular consequence: nonsense.
Genome position (GRCh38, 1-based): chr19:54,118,301, T>G. VCF-style: chr19-54118301-T-G. GRCh37 (hg19) VCF-style: chr19-54621681-T-G.
Other names: short protein forms L8*.
Identifiers: ClinVar variation 1351673 (VCV001351673.6), dbSNP rs2146392573, ClinGen allele CA407789067.